The following is an entry in ClinVar:

ClinVar aggregate classification (germline): Pathogenic. Review status: criteria provided, single submitter (1 of 4 stars). 2 submissions from 2 submitters: Pathogenic (1). 1 of the submissions does not count toward it. Last evaluated 2024-10-09.

Conditions:
Seckel syndrome 9 (SCKL9). Identifiers: Orphanet 808, MedGen C4225212, MONDO:0014767, OMIM 616777.

Allele frequency attached by ClinVar (database versions not stated): TOPMed 0.00006; gnomAD exomes 0.00004 and 0.00009; gnomAD 0.00009.
gnomAD v4.1: 144 of 1,614,038 alleles (0.0089%); highest among the groups gnomAD compares: Non-Finnish European, 0.011%; no homozygotes.

Submissions (2):

Labcorp Genetics (formerly Invitae), Labcorp
Classification: Pathogenic. Last evaluated: 2024-10-09. Review status: criteria provided, single submitter. Criteria: Invitae Variant Classification Sherloc (09022015). Collection method: clinical testing. Allele origin: germline.
Comment: This sequence change creates a premature translational stop signal (p.Arg185*) in the TRAIP gene. It is expected to result in an absent or disrupted protein product. Loss-of-function variants in TRAIP are known to be pathogenic (PMID: 26595769, 31974414). This variant is present in population databases (rs767664526, gnomAD 0.009%). This premature translational stop signal has been observed in individual(s) with TRAIP-related conditions (PMID: 26595769, 31974414). ClinVar contains an entry for this variant (Variation ID: 221232). Algorithms developed to predict the effect of sequence changes on RNA splicing suggest that this variant may disrupt the consensus splice site. For these reasons, this variant has been classified as Pathogenic.

OMIM
Classification: Pathogenic for SECKEL SYNDROME 9. Last evaluated: 2026-04-01. Review status: no assertion criteria provided. Collection method: literature only. Allele origin: germline. Not counted in ClinVar's aggregate classification.

Literature cited by the submitters: PubMed 26595769 (cited by Labcorp Genetics (formerly Invitae), Labcorp and OMIM); PubMed 31974414 (cited by Labcorp Genetics (formerly Invitae), Labcorp); PubMed 34235748 (cited by OMIM).

NM_005879.3(TRAIP):c.553C>T (p.Arg185Ter)

Gene: TRAIP (TRAF interacting protein; minus strand). Cytogenetic location: 3p21.31.
Variant type: single nucleotide variant.
Coding change: c.553C>T on transcript NM_005879.3 (MANE Select); coding-DNA position 553, C replaced by T.
Protein change: p.Arg185Ter; replaces arginine 185 with a stop codon.
Molecular consequence: nonsense.
Genome position (GRCh38, 1-based): chr3:49,841,890, G>A on the plus strand (C>T on the coding strand, the complement: TRAIP is on the minus strand). VCF-style: chr3-49841890-G-A. GRCh37 (hg19) VCF-style: chr3-49879323-G-A.
Other names: short protein forms R185*.
Identifiers: ClinVar variation 221232 (VCV000221232.10), dbSNP rs767664526, ClinGen allele CA350976.